The following is an entry in ClinVar:

NM_004744.5(LRAT):c.632T>G (p.Leu211Trp)

Gene: LRAT (lecithin retinol acyltransferase; plus strand). Cytogenetic location: 4q32.1.
Variant type: single nucleotide variant.
Coding change: c.632T>G on transcript NM_004744.5 (MANE Select); coding-DNA position 632, T replaced by G.
Protein change: p.Leu211Trp; replaces leucine 211 with tryptophan.
Molecular consequence: missense variant.
Genome position (GRCh38, 1-based): chr4:154,749,075, T>G. VCF-style: chr4-154749075-T-G. GRCh37 (hg19) VCF-style: chr4-155670227-T-G.
Other names: c.632T>G, p.Leu211Trp (NM_001301645.2); short protein forms L211W.
Identifiers: ClinVar variation 1034751 (VCV001034751.6), dbSNP rs1460560877, ClinGen allele CA358631118.

ClinVar aggregate classification (germline): Uncertain significance (1 of 4 stars; one submission).

Allele frequency attached by ClinVar (database versions not stated): TOPMed below 0.00001; gnomAD 0.00001; gnomAD exomes below 0.00001.
gnomAD v4.1: 6 of 1,613,778 alleles (0.00037%); highest among the groups gnomAD compares: African/African-American, 0.0013%; no homozygotes.

Submission:

Labcorp Genetics (formerly Invitae), Labcorp
Classification: Uncertain significance. Last evaluated: 2021-08-27. Review status: criteria provided, single submitter. Criteria: Invitae Variant Classification Sherloc (09022015). Collection method: clinical testing. Allele origin: germline.
Comment: This sequence change replaces leucine with tryptophan at codon 211 of the LRAT protein (p.Leu211Trp). The leucine residue is moderately conserved and there is a small physicochemical difference between leucine and tryptophan. This variant is not present in population databases (ExAC no frequency). This variant has not been reported in the literature in individuals affected with LRAT-related conditions. Algorithms developed to predict the effect of missense changes on protein structure and function are either unavailable or do not agree on the potential impact of this missense change (SIFT: "Deleterious"; PolyPhen-2: "Possibly Damaging"; Align-GVGD: "Class C0"). In summary, the available evidence is currently insufficient to determine the role of this variant in disease. Therefore, it has been classified as a Variant of Uncertain Significance.